The following is an entry in ClinVar:

NM_022089.4(ATP13A2):c.2160G>T (p.Gly720=)

Gene: ATP13A2 (ATPase cation transporting 13A2; minus strand). Cytogenetic location: 1p36.13.
Variant type: single nucleotide variant.
Coding change: c.2160G>T on transcript NM_022089.4 (MANE Select); coding-DNA position 2160, G replaced by T.
Protein change: p.Gly720=; no amino-acid change (glycine 720 retained).
Molecular consequence: synonymous variant.
Genome position (GRCh38, 1-based): chr1:16,991,825, C>A on the plus strand (G>T on the coding strand, the complement: ATP13A2 is on the minus strand). VCF-style: chr1-16991825-C-A. GRCh37 (hg19) VCF-style: chr1-17318320-C-A.
Other names: c.2145G>T, p.Gly715= (NM_001141973.3, NM_001141974.3).
Identifiers: ClinVar variation 705946 (VCV000705946.10), dbSNP rs61999317, ClinGen allele CA636947.

ClinVar aggregate classification (germline): Likely benign. Review status: criteria provided, multiple submitters, no conflicts (2 of 4 stars). 3 submissions from 3 submitters: Likely benign (2). 1 of the submissions does not count toward it. Last evaluated 2026-02-02.

Conditions:
Autosomal recessive spastic paraplegia type 78. Identifiers: Orphanet 513436, MedGen C5567893, MONDO:0014975, OMIM 617225.
Kufor-Rakeb syndrome (KRS). Also called: PARKINSON DISEASE 9, AUTOSOMAL RECESSIVE, JUVENILE-ONSET. Identifiers: Orphanet 306674, Orphanet 314632, MedGen C1847640, MONDO:0011706, OMIM 606693.
ATP13A2-related disorder. Also called: ATP13A2-related disorders; ATP13A2-related condition.

Allele frequency attached by ClinVar (database versions not stated): gnomAD exomes 0.00003 and 0.00008; ExAC 0.00011; gnomAD 0.00043; TOPMed 0.00044; ESP Exome Variant Server 0.00069.

Submissions (3):

Labcorp Genetics (formerly Invitae), Labcorp
Classification: Likely benign for Kufor-Rakeb syndrome; Autosomal recessive spastic paraplegia type 78. Last evaluated: 2026-02-02. Review status: criteria provided, single submitter. Criteria: Invitae Variant Classification Sherloc (09022015). Collection method: clinical testing. Allele origin: germline.

Blueprint Genetics
Classification: Likely benign. Last evaluated: 2024-11-01. Review status: criteria provided, single submitter. Criteria: ACMG Guidelines, 2015. Collection method: clinical testing. Allele origin: germline.

PreventionGenetics, part of Exact Sciences
Classification: Likely benign for ATP13A2-related condition. Last evaluated: 2022-03-28. Review status: no assertion criteria provided. Collection method: clinical testing. Allele origin: germline. Not counted in ClinVar's aggregate classification.
Comment: This variant is classified as likely benign based on ACMG/AMP sequence variant interpretation guidelines (Richards et al. 2015 PMID: 25741868, with internal and published modifications).